The following is an entry in ClinVar:

ClinVar aggregate classification (germline): Uncertain significance. Review status: criteria provided, multiple submitters, no conflicts (2 of 4 stars). 2 submissions from 2 submitters: Uncertain significance (2). Last evaluated 2023-07-16.

Conditions:
Combined oxidative phosphorylation deficiency 39. Identifiers: Orphanet 565624, MedGen C5193075, MONDO:0032726, OMIM 618397.

Submissions (2):

Victorian Clinical Genetics Services, Murdoch Childrens Research Institute
Classification: Uncertain significance for Combined oxidative phosphorylation deficiency 39. Last evaluated: 2023-07-16. Review status: criteria provided, single submitter. Criteria: ACMG Guidelines, 2015. Collection method: clinical testing. Allele origin: germline. Inheritance: Autosomal recessive inheritance. Affected: yes.
Comment: Based on the classification scheme VCGS_Germline_v1.3.4, this variant is classified as VUS-3C. Following criteria are met: 0102 - Loss of function is a known mechanism of disease in this gene and is associated with combined oxidative phosphorylation deficiency 39 (MIM#618397). (I) 0106 - This gene is associated with autosomal recessive disease. (I) 0200 - Variant is predicted to result in a missense amino acid change from lysine to glutamic acid. (I) 0252 - This variant is homozygous. (I) 0301 - Variant is absent from gnomAD (both v2 and v3). (SP) 0309 - An alternative amino acid change at the same position has been observed in gnomAD (v2, v3) (6 heterozygotes, 0 homozygotes). (I) 0503 - Missense variant consistently predicted to be tolerated by multiple in silico tools or not conserved in placental mammals with a minor amino acid change. (SB) 0600 - Variant is located in the annotated elongation factor G, domain III (DECIPHER). (I) 0705 - No comparable missense variants have previous evidence for pathogenicity. (I) 0807 - This variant has no previous evidence of pathogenicity. (I) 0905 - No published segregation evidence has been identified for this variant. (I) 1007 - No published functional evidence has been identified for this variant. (I) 1209 - This variant has been shown to be both maternally and paternally inherited (biallelic, by trio analysis). (I) Legend: (SP) - Supporting pathogenic, (I) - Information, (SB) - Supporting benign

Labcorp Genetics (formerly Invitae), Labcorp
Classification: Uncertain significance. Last evaluated: 2022-09-01. Review status: criteria provided, single submitter. Criteria: Invitae Variant Classification Sherloc (09022015). Collection method: clinical testing. Allele origin: germline.
Comment: This sequence change replaces lysine, which is basic and polar, with glutamic acid, which is acidic and polar, at codon 548 of the GFM2 protein (p.Lys548Glu). This variant is not present in population databases (gnomAD no frequency). In summary, the available evidence is currently insufficient to determine the role of this variant in disease. Therefore, it has been classified as a Variant of Uncertain Significance. Algorithms developed to predict the effect of missense changes on protein structure and function (SIFT, PolyPhen-2, Align-GVGD) all suggest that this variant is likely to be tolerated. This variant has not been reported in the literature in individuals affected with GFM2-related conditions.

NM_032380.5(GFM2):c.1642A>G (p.Lys548Glu)

Gene: GFM2 (GTP dependent ribosome recycling factor mitochondrial 2; minus strand). Cytogenetic location: 5q13.3.
Variant type: single nucleotide variant.
Coding change: c.1642A>G on transcript NM_032380.5 (MANE Select); coding-DNA position 1642, A replaced by G.
Protein change: p.Lys548Glu; replaces lysine 548 with glutamic acid.
Molecular consequence: missense variant.
Genome position (GRCh38, 1-based): chr5:74,730,344, T>C on the plus strand (A>G on the coding strand, the complement: GFM2 is on the minus strand). VCF-style: chr5-74730344-T-C. GRCh37 (hg19) VCF-style: chr5-74026169-T-C.
Other names: c.1738A>G, p.Lys580Glu (NM_001281302.2); c.1501A>G, p.Lys501Glu (NM_170691.3); c.1642A>G (NM_032380.4); short protein forms K548E, K501E, K580E.
Identifiers: ClinVar variation 1933031 (VCV001933031.6), dbSNP rs2478831668, ClinGen allele CA360078011.